The following is an entry in ClinVar:

NM_001110556.2(FLNA):c.2626A>T (p.Lys876Ter)

Gene: FLNA (filamin A; minus strand). Cytogenetic location: Xq28.
Variant type: single nucleotide variant.
Coding change: c.2626A>T on transcript NM_001110556.2 (MANE Select); coding-DNA position 2626, A replaced by T.
Protein change: p.Lys876Ter; replaces lysine 876 with a stop codon.
Molecular consequence: nonsense.
Genome position (GRCh38, 1-based): chrX:154,362,272, T>A on the plus strand (A>T on the coding strand, the complement: FLNA is on the minus strand). VCF-style: chrX-154362272-T-A. GRCh37 (hg19) VCF-style: chrX-153590640-T-A.
Other names: c.2626A>T, p.Lys876Ter (NM_001456.4); short protein forms K876*.
Identifiers: ClinVar variation 3759727 (VCV003759727.2).

ClinVar aggregate classification (germline): Pathogenic (1 of 4 stars; one submission).

Conditions:
Melnick-Needles syndrome (MNS). Also called: MELNICK-NEEDLES OSTEODYSPLASTY; OSTEODYSPLASTY OF MELNICK AND NEEDLES; Melnick-Needles Syndrome (FLNA-MNS). Identifiers: Orphanet 2484, MedGen C0025237, MONDO:0010650, OMIM 309350.
Frontometaphyseal dysplasia (FMD1). Identifiers: Orphanet 1826, MedGen C0265293, MONDO:0015942.
Heterotopia, periventricular, X-linked dominant (PVNH1). Also called: PERIVENTRICULAR NODULAR HETEROTOPIA 1; X-linked periventricular heterotopia; PERIVENTRICULAR NODULAR HETEROTOPIA 4; HETEROTOPIA, PERIVENTRICULAR, 1. Identifiers: Orphanet 2149, Orphanet 82004, MedGen C1848213, MONDO:0010233, OMIM 300049.
Oto-palato-digital syndrome, type II (OPD2). Also called: FACIOPALATOOSSEOUS SYNDROME; OPD II SYNDROME; Otopalatodigital Syndrome, Type II; Otopalatodigital Syndrome Type 2 (FLNA-OPD2). Identifiers: Orphanet 669, Orphanet 90652, MedGen C1844696, MONDO:0010571, OMIM 304120.

Submission:

Labcorp Genetics (formerly Invitae), Labcorp
Classification: Pathogenic for Oto-palato-digital syndrome, type II; Heterotopia, periventricular, X-linked dominant; Frontometaphyseal dysplasia; Melnick-Needles syndrome. Last evaluated: 2024-11-06. Review status: criteria provided, single submitter. Criteria: Invitae Variant Classification Sherloc (09022015). Collection method: clinical testing. Allele origin: germline.
Comment: This sequence change creates a premature translational stop signal (p.Lys876*) in the FLNA gene. It is expected to result in an absent or disrupted protein product. Loss-of-function variants in FLNA are known to be pathogenic (PMID: 16684786, 20730588, 26471271). This variant is not present in population databases (gnomAD no frequency). This variant has not been reported in the literature in individuals affected with FLNA-related conditions. Algorithms developed to predict the effect of sequence changes on RNA splicing suggest that this variant may disrupt the consensus splice site. For these reasons, this variant has been classified as Pathogenic.

Literature cited by the submitters: PubMed 16684786; PubMed 20730588; PubMed 26471271.